The following is an entry in ClinVar:

NM_001006658.3(CR2):c.2258A>G (p.His753Arg)

Gene: CR2 (complement C3d receptor 2; plus strand). Cytogenetic location: 1q32.2.
Variant type: single nucleotide variant.
Coding change: c.2258A>G on transcript NM_001006658.3 (MANE Select); coding-DNA position 2258, A replaced by G.
Protein change: p.His753Arg; replaces histidine 753 with arginine.
Molecular consequence: missense variant.
Genome position (GRCh38, 1-based): chr1:207,474,258, A>G. VCF-style: chr1-207474258-A-G. GRCh37 (hg19) VCF-style: chr1-207647603-A-G.
Other names: c.2081A>G, p.His694Arg (NM_001877.5); short protein forms H694R, H753R.
Identifiers: ClinVar variation 1719243 (VCV001719243.5), dbSNP rs113241387, ClinGen allele CA36652608.

ClinVar aggregate classification (germline): Uncertain significance (1 of 4 stars; one submission).

Conditions:
Immunodeficiency, common variable, 7. Identifiers: Orphanet 1572, Orphanet 696894, MedGen C3542922, MONDO:0013862, OMIM 614699.

Allele frequency attached by ClinVar (database versions not stated): gnomAD exomes below 0.00001; TOPMed below 0.00001.
gnomAD v4.1: 1 of 1,613,226 alleles (0.000062%); highest among the groups gnomAD compares: Non-Finnish European, 0.000085%; no homozygotes.

Submission:

Labcorp Genetics (formerly Invitae), Labcorp
Classification: Uncertain significance for Immunodeficiency, common variable, 7. Last evaluated: 2022-10-07. Review status: criteria provided, single submitter. Criteria: Invitae Variant Classification Sherloc (09022015). Collection method: clinical testing. Allele origin: germline.
Comment: In summary, the available evidence is currently insufficient to determine the role of this variant in disease. Therefore, it has been classified as a Variant of Uncertain Significance. Algorithms developed to predict the effect of missense changes on protein structure and function are either unavailable or do not agree on the potential impact of this missense change (SIFT: "Tolerated"; PolyPhen-2: "Possibly Damaging"; Align-GVGD: "Class C0"). This variant has not been reported in the literature in individuals affected with CR2-related conditions. This variant is not present in population databases (gnomAD no frequency). This sequence change replaces histidine, which is basic and polar, with arginine, which is basic and polar, at codon 753 of the CR2 protein (p.His753Arg).